The following is an entry in ClinVar:

NM_016169.4(SUFU):c.1297-5C>T

Gene: SUFU (SUFU negative regulator of hedgehog signaling; plus strand). Cytogenetic location: 10q24.32.
Variant type: single nucleotide variant.
Coding change: c.1297-5C>T on transcript NM_016169.4 (MANE Select); 5 bases into the intron before coding-DNA position 1297, C replaced by T.
Molecular consequence: intron variant.
Genome position (GRCh38, 1-based): chr10:102,627,170, C>T. VCF-style: chr10-102627170-C-T. GRCh37 (hg19) VCF-style: chr10-104386927-C-T.
Identifiers: ClinVar variation 818830 (VCV000818830.10), dbSNP rs1275187815, ClinGen allele CA595210003.
Genomic context (GRCh38, chr10:102,627,170, plus strand): 5'-TGGTGGTTGGCAAAAAGATCATACATTTAAAAATAATAATAAAAGCCTGCCTTGTGCCTT[C>T]ACAGATTCTGTTGACCGAAGAGTTTGTAGAGAAAATGTTGGAGGATTTAGAAGATTTGAC-3'

ClinVar aggregate classification (germline): Conflicting classifications of pathogenicity. Review status: criteria provided, conflicting classifications (1 of 4 stars). 2 submissions from 2 submitters: Uncertain significance (1); Likely benign (1). Last evaluated 2025-10-31.

Conditions:
Hereditary cancer-predisposing syndrome. Also called: Hereditary Cancer Syndrome; Neoplastic Syndromes, Hereditary; Hereditary neoplastic syndrome; Tumor predisposition. Identifiers: Orphanet 140162, MedGen C0027672, MeSH D009386, MONDO:0015356.
Gorlin syndrome. Also called: Nevoid Basal Cell Carcinoma Syndrome; Basal cell nevus syndrome. Identifiers: Orphanet 377, MedGen C0004779, MONDO:0007187.
Medulloblastoma (MDB). Also called: Medulloblastoma, somatic; MEDULLOBLASTOMA PREDISPOSITION SYNDROME. Identifiers: Orphanet 616, MedGen C0025149, MeSH D008527, MONDO:0007959, OMIM 155255, HP:0002885.

Allele frequency attached by ClinVar (database versions not stated): gnomAD exomes below 0.00001.
gnomAD v4.1: 4 of 1,614,190 alleles (0.00025%); highest among the groups gnomAD compares: Non-Finnish European, 0.00025%; no homozygotes.

Submissions (2):

Labcorp Genetics (formerly Invitae), Labcorp
Classification: Likely benign for Gorlin syndrome; Medulloblastoma. Last evaluated: 2025-10-31. Review status: criteria provided, single submitter. Criteria: Invitae Variant Classification Sherloc (09022015). Collection method: clinical testing. Allele origin: germline.

Ambry Genetics
Classification: Uncertain significance for Hereditary cancer-predisposing syndrome. Last evaluated: 2023-04-18. Review status: criteria provided, single submitter. Criteria: Ambry Variant Classification Scheme 2023. Collection method: clinical testing. Allele origin: germline.
Comment: The c.1297-5C>T intronic variant results from a C to T substitution 5 nucleotides upstream from coding exon 11 in the SUFU gene. This nucleotide position is not well conserved in available vertebrate species. In silico splice site analysis predicts that this alteration will not have any significant effect on splicing. Since supporting evidence is limited at this time, the clinical significance of this alteration remains unclear.